The following is an entry in ClinVar:

ClinVar aggregate classification (germline): Uncertain significance. Review status: criteria provided, multiple submitters, no conflicts (2 of 4 stars). 3 submissions from 3 submitters: Uncertain significance (3). Last evaluated 2025-05-04.

Conditions:
Nephronophthisis 9 (NPHP9). Identifiers: Orphanet 655, MedGen C3151188, MONDO:0013444, OMIM 613824.
Renal-hepatic-pancreatic dysplasia 2 (RHPD2). Identifiers: MedGen C3809434, MONDO:0014174, OMIM 615415.
Inborn genetic diseases. Identifiers: MedGen C0950123, MeSH D030342.

Allele frequency attached by ClinVar (database versions not stated): gnomAD 0.00001; TOPMed 0.00001; ExAC 0.00002; gnomAD exomes 0.00004.
gnomAD v4.1: 14 of 1,614,038 alleles (0.00087%); highest among the groups gnomAD compares: Admixed American, 0.018%; no homozygotes.

Submissions (3):

Labcorp Genetics (formerly Invitae), Labcorp
Classification: Uncertain significance for Nephronophthisis 9. Last evaluated: 2025-05-04. Review status: criteria provided, single submitter. Criteria: Invitae Variant Classification Sherloc (09022015). Collection method: clinical testing. Allele origin: germline.
Comment: This sequence change replaces threonine, which is neutral and polar, with arginine, which is basic and polar, at codon 286 of the NEK8 protein (p.Thr286Arg). This variant is present in population databases (no rsID available, gnomAD 0.03%). This variant has not been reported in the literature in individuals affected with NEK8-related conditions. ClinVar contains an entry for this variant (Variation ID: 1436724). An algorithm developed to predict the effect of missense changes on protein structure and function (PolyPhen-2) suggests that this variant is likely to be tolerated. In summary, the available evidence is currently insufficient to determine the role of this variant in disease. Therefore, it has been classified as a Variant of Uncertain Significance.

Fulgent Genetics
Classification: Uncertain significance for Nephronophthisis 9; Renal-hepatic-pancreatic dysplasia 2. Last evaluated: 2022-05-27. Review status: criteria provided, single submitter. Criteria: ACMG Guidelines, 2015. Collection method: clinical testing. Allele origin: unknown.

Ambry Genetics
Classification: Uncertain significance for Inborn genetic diseases. Last evaluated: 2021-08-23. Review status: criteria provided, single submitter. Criteria: Ambry Variant Classification Scheme 2023. Collection method: clinical testing. Allele origin: germline.

NM_178170.3(NEK8):c.857C>G (p.Thr286Arg)

Gene: NEK8 (NIMA related kinase 8; plus strand). Cytogenetic location: 17q11.2.
Variant type: single nucleotide variant.
Coding change: c.857C>G on transcript NM_178170.3 (MANE Select); coding-DNA position 857, C replaced by G.
Protein change: p.Thr286Arg; replaces threonine 286 with arginine.
Molecular consequence: missense variant.
Genome position (GRCh38, 1-based): chr17:28,737,704, C>G. VCF-style: chr17-28737704-C-G. GRCh37 (hg19) VCF-style: chr17-27064722-C-G.
Other names: c.857C>G (NM_178170.2); short protein forms T286R.
Identifiers: ClinVar variation 1436724 (VCV001436724.8), dbSNP rs903553470, ClinGen allele CA8467218.